The following is an entry in ClinVar:

ClinVar aggregate classification (germline): Pathogenic. Review status: criteria provided, multiple submitters, no conflicts (2 of 4 stars). 2 submissions from 2 submitters: Pathogenic (2). Last evaluated 2023-04-09.

Conditions:
Cone-rod dystrophy 15 (CORD15). Identifiers: MedGen C3150912, MONDO:0013348, OMIM 613660.

Submissions (2):

Labcorp Genetics (formerly Invitae), Labcorp
Classification: Pathogenic. Last evaluated: 2023-04-09. Review status: criteria provided, single submitter. Criteria: Invitae Variant Classification Sherloc (09022015). Collection method: clinical testing. Allele origin: germline.
Comment: For these reasons, this variant has been classified as Pathogenic. ClinVar contains an entry for this variant (Variation ID: 931851). This variant has not been reported in the literature in individuals affected with CDHR1-related conditions. This variant is present in population databases (no rsID available, gnomAD 0.0009%). This sequence change creates a premature translational stop signal (p.His206Thrfs*61) in the CDHR1 gene. It is expected to result in an absent or disrupted protein product. Loss-of-function variants in CDHR1 are known to be pathogenic (PMID: 23044944, 23591405, 26103963, 26261414).

Centre for Mendelian Genomics, University Medical Centre Ljubljana
Classification: Pathogenic for Cone-rod dystrophy 15. Last evaluated: 2020-02-26. Review status: criteria provided, single submitter. Criteria: ACMG Guidelines, 2015. Collection method: clinical testing. Allele origin: unknown. Affected: yes.
Comment: This variant was classified as: Pathogenic. The following ACMG criteria were applied in classifying this variant: PVS1,PM2,PP3.

Literature cited by the submitters: PubMed 23044944 (cited by Labcorp Genetics (formerly Invitae), Labcorp); PubMed 23591405 (cited by Labcorp Genetics (formerly Invitae), Labcorp); PubMed 26103963 (cited by Labcorp Genetics (formerly Invitae), Labcorp); PubMed 26261414 (cited by Labcorp Genetics (formerly Invitae), Labcorp).

NM_033100.4(CDHR1):c.616del (p.His206fs)

Gene: CDHR1 (cadherin related family member 1; plus strand). Cytogenetic location: 10q23.1.
Variant type: Deletion.
Coding change: c.616del on transcript NM_033100.4 (MANE Select); coding-DNA position 616, one base deleted (C; older notation c.616delC).
Protein change: p.His206fs; shifts the reading frame from histidine 206.
Molecular consequence: frameshift variant.
Genome position (GRCh38, 1-based): chr10:84,201,897, C deleted; the last of 3 consecutive C bases (chr10:84,201,895-84,201,897); deleting any one gives the same sequence. VCF-style (leftmost placement, unchanged base first): chr10-84201894-AC-A. GRCh37 (hg19) VCF-style: chr10-85961650-AC-A.
Other names: c.616del, p.His206fs (NM_001171971.3); c.616delC (NM_033100.3); short protein forms H206fs.
Identifiers: ClinVar variation 931851 (VCV000931851.9), dbSNP rs1183979115, ClinGen allele CA594735694.